The following is an entry in ClinVar:

NM_001128922.2(LRRC32):c.1378G>T (p.Ala460Ser)

Genes: LRRC32 (leucine rich repeat containing 32; minus strand), LRRC32-AS1 (LRRC32 antisense RNA 1; plus strand). Cytogenetic location: 11q13.5.
Variant type: single nucleotide variant.
Coding change: c.1378G>T on transcript NM_001128922.2 (MANE Select); coding-DNA position 1378, G replaced by T.
Protein change: p.Ala460Ser; replaces alanine 460 with serine.
Molecular consequence: missense variant. On other transcripts: non-coding transcript variant (1), intron variant (1).
Genome position (GRCh38, 1-based): chr11:76,660,215, C>A on the plus strand (G>T on the coding strand, the complement: LRRC32 is on the minus strand). VCF-style: chr11-76660215-C-A. GRCh37 (hg19) VCF-style: chr11-76371259-C-A.
Other names: c.1378G>T, p.Ala460Ser (NM_001370187.1, NM_001370188.1, NM_005512.3); c.1312G>T, p.Ala438Ser (NM_001370189.1); c.1048G>T, p.Ala350Ser (NM_001370190.1); c.85-2181G>T (NM_001370191.1); short protein forms A350S, A438S, A460S.
Identifiers: ClinVar variation 3234221 (VCV003234221.20), dbSNP rs150588636, ClinGen allele CA6194623.

ClinVar aggregate classification (germline): Likely benign (1 of 4 stars; one submission).

Allele frequency attached by ClinVar (database versions not stated): ExAC 0.00143; 1000 Genomes Project 0.00280; 1000 Genomes Project 30x 0.00328; ESP Exome Variant Server 0.00347; gnomAD 0.00360; TOPMed 0.00405.

Submission:

CeGaT Center for Human Genetics Tuebingen
Classification: Likely benign. Last evaluated: 2024-04-01. Review status: criteria provided, single submitter. Criteria: CeGaT Center For Human Genetics Tuebingen Variant Classification Criteria Version 2. Collection method: clinical testing. Allele origin: germline. Affected: yes. Observed: 1 variant allele.
Comment: LRRC32: BP4, BS2